The following is an entry in ClinVar:

ClinVar aggregate classification (germline): Likely benign. Review status: criteria provided, multiple submitters, no conflicts (2 of 4 stars). 4 submissions from 4 submitters: Likely benign (3). 1 of the submissions does not count toward it. Last evaluated 2026-01-05.

Conditions:
LRP5-related disorder. Also called: LRP5-related condition.

Allele frequency attached by ClinVar (database versions not stated): gnomAD exomes 0.00004 and 0.00014; gnomAD 0.00006 and 0.00008; ESP Exome Variant Server 0.00008; ExAC 0.00010; TOPMed 0.00011.
gnomAD v4.1: 61 of 1,610,798 alleles (0.0038%); highest among the groups gnomAD compares: Admixed American, 0.069%; 1 homozygote.

Submissions (4):

Labcorp Genetics (formerly Invitae), Labcorp
Classification: Likely benign. Last evaluated: 2026-01-05. Review status: criteria provided, single submitter. Criteria: Invitae Variant Classification Sherloc (09022015). Collection method: clinical testing. Allele origin: germline.

Blueprint Genetics
Classification: Likely benign. Last evaluated: 2024-10-02. Review status: criteria provided, single submitter. Criteria: ACMG Guidelines, 2015. Collection method: clinical testing. Allele origin: germline.

Breakthrough Genomics
Classification: Likely benign. Review status: criteria provided, single submitter. Criteria: ACMG Guidelines, 2015. Collection method: not provided. Allele origin: germline. Inheritance: Autosomal recessive inheritance. Affected: yes.

PreventionGenetics, part of Exact Sciences
Classification: Likely benign for LRP5-related condition. Last evaluated: 2024-09-05. Review status: no assertion criteria provided. Collection method: clinical testing. Allele origin: germline. Not counted in ClinVar's aggregate classification.
Comment: This variant is classified as likely benign based on ACMG/AMP sequence variant interpretation guidelines (Richards et al. 2015 PMID: 25741868, with internal and published modifications).

NM_002335.4(LRP5):c.4353C>T (p.Ile1451=)

Gene: LRP5 (LDL receptor related protein 5; plus strand). Cytogenetic location: 11q13.2.
Variant type: single nucleotide variant.
Coding change: c.4353C>T on transcript NM_002335.4 (MANE Select); coding-DNA position 4353, C replaced by T.
Protein change: p.Ile1451=; no amino-acid change (isoleucine 1451 retained).
Molecular consequence: synonymous variant.
Genome position (GRCh38, 1-based): chr11:68,439,781, C>T. VCF-style: chr11-68439781-C-T. GRCh37 (hg19) VCF-style: chr11-68207249-C-T.
Other names: c.2610C>T, p.Ile870= (NM_001291902.2).
Identifiers: ClinVar variation 741612 (VCV000741612.13), dbSNP rs151148660, ClinGen allele CA6150336.
Genomic context (GRCh38, chr11:68,439,781, plus strand): 5'-GGGCGGCTTGGCTGAGCCTGGAAGCCACCTGACCTCCCCCGTCCCTTCCCTGCCAGGCAT[C>T]GCATGCGGAAAGTCCATGATGAGCTCCGTGAGCCTGATGGGGGGCCGGGGCGGGGTGCCC-3'
Protein context (NP_002326.2, residues 1441-1461): GGSQHGPFTG[Ile1451=]ACGKSMMSSV